The following is an entry in ClinVar:

ClinVar aggregate classification (germline): Uncertain significance. Review status: criteria provided, multiple submitters, no conflicts (2 of 4 stars). 3 submissions from 3 submitters: Uncertain significance (3). Last evaluated 2025-09-20.

Conditions:
Dilated cardiomyopathy 1O (CMD1O). Also called: CARDIOMYOPATHY, DILATED, WITH VENTRICULAR TACHYCARDIA. Identifiers: Orphanet 154, MedGen C1837839, MONDO:0012062, OMIM 608569.

gnomAD v4.1: 4 of 1,612,816 alleles (0.00025%); highest among the groups gnomAD compares: Non-Finnish European, 0.00017%; no homozygotes.

Submissions (3):

Labcorp Genetics (formerly Invitae), Labcorp
Classification: Uncertain significance for Dilated cardiomyopathy 1O. Last evaluated: 2025-09-20. Review status: criteria provided, single submitter. Criteria: Invitae Variant Classification Sherloc (09022015). Collection method: clinical testing. Allele origin: germline.
Comment: This sequence change replaces threonine, which is neutral and polar, with lysine, which is basic and polar, at codon 667 of the ABCC9 protein (p.Thr667Lys). This variant is not present in population databases (gnomAD no frequency). This missense change has been observed in individual(s) with dilated cardiomyopathy (PMID: 27532257). ClinVar contains an entry for this variant (Variation ID: 45396). Invitae Evidence Modeling of protein sequence and biophysical properties (such as structural, functional, and spatial information, amino acid conservation, physicochemical variation, residue mobility, and thermodynamic stability) indicates that this missense variant is not expected to disrupt ABCC9 protein function with a negative predictive value of 95%. In summary, the available evidence is currently insufficient to determine the role of this variant in disease. Therefore, it has been classified as a Variant of Uncertain Significance.

GeneDx
Classification: Uncertain significance. Last evaluated: 2018-09-03. Review status: criteria provided, single submitter. Criteria: GeneDx Variant Classification (06012015). Collection method: clinical testing. Allele origin: germline. Affected: yes.
Comment: A variant of uncertain significance has been identified in the ABCC9 gene. Although this variant has not been seen previously at GeneDx, it is reported in ClinVar as a variant of uncertain significance by the Laboratory for Molecular Medicine (Landrum et al., 2014). Furthermore, Pugh et al. (2014) report the T667K variant in an adult patient with left ventricular enlargement/dilation and ventricular tachycardia, and the authors classified T667K as a variant of uncertain significance. This patient harbored an additional two variants of uncertain significance in the TTN gene. The T667K variant was not observed in approximately 6,500 individuals of European and African American ancestry in the NHLBI Exome Sequencing Project, indicating it is not a common benign variant in these populations. The T667K variant is a semi-conservative amino acid substitution, which may impact secondary protein structure as these residues differ in some properties. This substitution occurs at a position that is not conserved across species, and in silico analysis is inconsistent in its predictions as to whether or not the variant is damaging to the protein structure/function.

Laboratory for Molecular Medicine, Mass General Brigham Personalized Medicine
Classification: Uncertain significance. Last evaluated: 2011-12-13. Review status: criteria provided, single submitter. Criteria: LMM Criteria. Collection method: clinical testing. Allele origin: germline. Observed: 1 variant allele.
Comment: Threonine at position 667 is highly conserved in evolution, suggesting that a change may not be tolerated. Two out of 3 computational tools (PolyPhen2, SIFT, AlignGVGD) predict an impact the protein although their accur acy is unknown. In summary, the clinical significance of this variant cannot be determined with certainty at this time.

Literature cited by the submitters: PubMed 27532257 (cited by Labcorp Genetics (formerly Invitae), Labcorp).

NM_020297.4(ABCC9):c.2000C>A (p.Thr667Lys)

Gene: ABCC9 (ATP binding cassette subfamily C member 9; minus strand). Cytogenetic location: 12p12.1.
Variant type: single nucleotide variant.
Coding change: c.2000C>A on transcript NM_020297.4 (MANE Select); coding-DNA position 2000, C replaced by A.
Protein change: p.Thr667Lys; replaces threonine 667 with lysine.
Molecular consequence: missense variant.
Genome position (GRCh38, 1-based): chr12:21,882,785, G>T on the plus strand (C>A on the coding strand, the complement: ABCC9 is on the minus strand). VCF-style: chr12-21882785-G-T. GRCh37 (hg19) VCF-style: chr12-22035719-G-T.
Other names: c.2000C>A, p.Thr667Lys (NM_001377273.1, NM_005691.4); c.1136C>A, p.Thr379Lys (NM_001377274.1); short protein forms T667K, T379K.
Identifiers: ClinVar variation 45396 (VCV000045396.9), dbSNP rs397517186, ClinGen allele CA136240.